The following is an entry in ClinVar:

ClinVar aggregate classification (germline): Pathogenic (1 of 4 stars; one submission).

Conditions:
Cardiovascular phenotype. Identifiers: MedGen CN230736.
Hereditary cancer-predisposing syndrome. Also called: Tumor predisposition; Neoplastic Syndromes, Hereditary; Hereditary Cancer Syndrome; Hereditary neoplastic syndrome. Identifiers: Orphanet 140162, MedGen C0027672, MeSH D009386, MONDO:0015356.

Submission:

Ambry Genetics
Classification: Pathogenic for Cardiovascular phenotype; Hereditary cancer-predisposing syndrome. Last evaluated: 2025-01-11. Review status: criteria provided, single submitter. Criteria: Ambry Variant Classification Scheme 2023. Collection method: clinical testing. Allele origin: germline.
Comment: The c.2253_2254dupAA pathogenic mutation, located in coding exon 19 of the NF1 gene, results from a duplication of AA at nucleotide position 2253, causing a translational frameshift with a predicted alternate stop codon (p.R752Kfs*9). This variant is considered to be rare based on population cohorts in the Genome Aggregation Database (gnomAD). This alteration is expected to result in loss of function by premature protein truncation or nonsense-mediated mRNA decay. As such, this alteration is interpreted as a disease-causing mutation.

NM_001042492.3(NF1):c.2253_2254dup (p.Arg752fs)

Gene: NF1 (neurofibromin 1; plus strand). Cytogenetic location: 17q11.2.
Variant type: Duplication.
Coding change: c.2253_2254dup on transcript NM_001042492.3 (MANE Select); coding-DNA positions 2253 to 2254, 2 bases duplicated (AA; older notation c.2253_2254dupAA).
Protein change: p.Arg752fs; shifts the reading frame from arginine 752.
Molecular consequence: frameshift variant.
Genome position (GRCh38, 1-based): chr17:31,227,219-31,227,220, AA duplicated. VCF-style (leftmost placement, unchanged base first): chr17-31227218-G-GAA. GRCh37 (hg19) VCF-style: chr17-29554236-G-GAA.
Other names: c.2253_2254dup, p.Arg752Lysfs (NM_000267.4); c.2253_2254dupAA (NM_000267.3); short protein forms R752fs.
Identifiers: ClinVar variation 3879055 (VCV003879055.1).